The following is an entry in ClinVar:

ClinVar aggregate classification (germline): Benign. Review status: criteria provided, multiple submitters, no conflicts (2 of 4 stars). 3 submissions from 3 submitters: Benign (2). 1 of the submissions does not count toward it. Last evaluated 2019-12-31.

Conditions:
PDZD2-related disorder. Also called: PDZD2-related condition.

Allele frequency attached by ClinVar (database versions not stated): gnomAD exomes 0.00082 and 0.00223; ExAC 0.00264; gnomAD 0.00794 and 0.00856; 1000 Genomes Project 0.00799; 1000 Genomes Project 30x 0.00906; TOPMed 0.00940; ESP Exome Variant Server 0.00953.
gnomAD v4.1: 2,462 of 1,613,828 alleles (0.15%); highest among the groups gnomAD compares: African/African-American, 2.8%; 36 homozygotes.

Submissions (3):

Labcorp Genetics (formerly Invitae), Labcorp
Classification: Benign. Last evaluated: 2019-12-31. Review status: criteria provided, single submitter. Criteria: Invitae Variant Classification Sherloc (09022015). Collection method: clinical testing. Allele origin: germline.

Breakthrough Genomics
Classification: Benign. Review status: criteria provided, single submitter. Criteria: ACMG Guidelines, 2015. Collection method: not provided. Allele origin: germline. Inheritance: Unknown mechanism. Affected: yes.

PreventionGenetics, part of Exact Sciences
Classification: Benign for PDZD2-related condition. Last evaluated: 2019-04-11. Review status: no assertion criteria provided. Collection method: clinical testing. Allele origin: germline. Not counted in ClinVar's aggregate classification.
Comment: This variant is classified as benign based on ACMG/AMP sequence variant interpretation guidelines (Richards et al. 2015 PMID: 25741868, with internal and published modifications).

NM_178140.4(PDZD2):c.5562G>A (p.Pro1854=)

Gene: PDZD2 (PDZ domain containing 2; plus strand). Cytogenetic location: 5p13.3.
Variant type: single nucleotide variant.
Coding change: c.5562G>A on transcript NM_178140.4 (MANE Select); coding-DNA position 5562, G replaced by A.
Protein change: p.Pro1854=; no amino-acid change (proline 1854 retained).
Molecular consequence: synonymous variant.
Genome position (GRCh38, 1-based): chr5:32,089,010, G>A. VCF-style: chr5-32089010-G-A. GRCh37 (hg19) VCF-style: chr5-32089116-G-A.
Identifiers: ClinVar variation 710960 (VCV000710960.7), dbSNP rs16889437, ClinGen allele CA3219933.